The following is an entry in ClinVar:

NM_022089.4(ATP13A2):c.2113C>T (p.Gln705Ter)

Gene: ATP13A2 (ATPase cation transporting 13A2; minus strand). Cytogenetic location: 1p36.13.
Variant type: single nucleotide variant.
Coding change: c.2113C>T on transcript NM_022089.4 (MANE Select); coding-DNA position 2113, C replaced by T.
Protein change: p.Gln705Ter; replaces glutamine 705 with a stop codon.
Molecular consequence: nonsense.
Genome position (GRCh38, 1-based): chr1:16,992,022, G>A on the plus strand (C>T on the coding strand, the complement: ATP13A2 is on the minus strand). VCF-style: chr1-16992022-G-A. GRCh37 (hg19) VCF-style: chr1-17318517-G-A.
Other names: c.2098C>T, p.Gln700Ter (NM_001141973.3, NM_001141974.3); short protein forms Q700*, Q705*.
Identifiers: ClinVar variation 1996186 (VCV001996186.4), dbSNP rs774115028, ClinGen allele CA636972.
Genomic context (GRCh38, chr1:16,992,022, plus strand): 5'-TCCCTCTGCCTAGTCCTCAGAGTGGGTGGGACAGGAGACAGGCCCACCTCGTCAGTTGCT[G>A]GGCTGCCTCCAGGCTGGGCACAGTGGGCAGTGGCTTGCTGGCCAGGGCCACGACACGGTA-3'

ClinVar aggregate classification (germline): Pathogenic (1 of 4 stars; one submission).

Conditions:
Autosomal recessive spastic paraplegia type 78. Identifiers: Orphanet 513436, MedGen C5567893, MONDO:0014975, OMIM 617225.
Kufor-Rakeb syndrome (KRS). Also called: PARKINSON DISEASE 9, AUTOSOMAL RECESSIVE, JUVENILE-ONSET. Identifiers: Orphanet 306674, Orphanet 314632, MedGen C1847640, MONDO:0011706, OMIM 606693.

Allele frequency attached by ClinVar (database versions not stated): gnomAD exomes below 0.00001; ExAC 0.00001.
gnomAD v4.1: 1 of 1,612,960 alleles (0.000062%); highest among the groups gnomAD compares: Admixed American, 0.0017%; no homozygotes.

Submission:

Labcorp Genetics (formerly Invitae), Labcorp
Classification: Pathogenic for Kufor-Rakeb syndrome; Autosomal recessive spastic paraplegia type 78. Last evaluated: 2022-10-20. Review status: criteria provided, single submitter. Criteria: Invitae Variant Classification Sherloc (09022015). Collection method: clinical testing. Allele origin: germline.
Comment: For these reasons, this variant has been classified as Pathogenic. This variant has not been reported in the literature in individuals affected with ATP13A2-related conditions. This variant is present in population databases (rs774115028, gnomAD 0.003%). This sequence change creates a premature translational stop signal (p.Gln705*) in the ATP13A2 gene. It is expected to result in an absent or disrupted protein product. Loss-of-function variants in ATP13A2 are known to be pathogenic (PMID: 16964263, 21696388).

Literature cited by the submitters: PubMed 16964263; PubMed 21696388.